The following is an entry in ClinVar:

NM_000329.3(RPE65):c.252_253delinsTA (p.Arg85Ser)

Gene: RPE65 (retinoid isomerohydrolase RPE65; minus strand). Cytogenetic location: 1p31.3.
Variant type: Indel.
Coding change: c.252_253delinsTA on transcript NM_000329.3 (MANE Select); coding-DNA positions 252 to 253, CC replaced by TA.
Protein change: p.Arg85Ser; replaces arginine 85 with serine.
Molecular consequence: missense variant. On other transcripts: 5 prime UTR variant (2), intron variant (1).
Genome position (GRCh38, 1-based): chr1:68,444,876-68,444,877, GG replaced by TA on the plus strand (CC replaced by TA on the coding strand, the reverse complement: RPE65 is on the minus strand). VCF-style: chr1-68444876-GG-TA. GRCh37 (hg19) VCF-style: chr1-68910559-GG-TA.
Other names: c.-25_-24delinsTA (NM_001406856.1, NM_001406857.1); c.252_253delinsTA, p.Arg85Ser (NM_001406859.1, NM_001406860.1); c.246-205_246-204delinsTA (NM_001406853.1); short protein forms R85S.
Identifiers: ClinVar variation 3572943 (VCV003572943.1).

ClinVar aggregate classification (germline): Likely pathogenic (1 of 4 stars; one submission).

Conditions:
Retinitis pigmentosa 20 (RP20). Identifiers: Orphanet 791, MedGen C3151086, MONDO:0013425, OMIM 613794.

Submission:

North West Genomic Laboratory Hub, Manchester University NHS Foundation Trust
Classification: Likely pathogenic for Retinitis pigmentosa 20. Last evaluated: 2024-07-17. Review status: criteria provided, single submitter. Criteria: ACGS Best Practice Guidelines for Variant Classification in Rare Disease 2020. Collection method: clinical testing. Allele origin: germline. Affected: yes.
Comment: PM2_Mod PM3_Supp PP3_Supp PP4_Mod